The following is an entry in ClinVar:

NM_053013.4(ENO3):c.262G>T (p.Glu88Ter)

Gene: ENO3 (enolase 3; plus strand). Cytogenetic location: 17p13.2.
Variant type: single nucleotide variant.
Coding change: c.262G>T on transcript NM_053013.4 (MANE Select); coding-DNA position 262, G replaced by T.
Protein change: p.Glu88Ter; replaces glutamic acid 88 with a stop codon.
Molecular consequence: nonsense. On other transcripts: intron variant (1).
Genome position (GRCh38, 1-based): chr17:4,953,293, G>T. VCF-style: chr17-4953293-G-T. GRCh37 (hg19) VCF-style: chr17-4856588-G-T.
Other names: c.262G>T, p.Glu88Ter (NM_001374523.1, NM_001976.5); c.289G>T, p.Glu97Ter (NM_001374524.1); c.181+403G>T (NM_001193503.2); c.262G>T (NM_053013.3); short protein forms E88*, E97*.
Identifiers: ClinVar variation 2181886 (VCV002181886.2), dbSNP rs753114346, ClinGen allele CA8316235.

ClinVar aggregate classification (germline): Uncertain significance. Review status: criteria provided, multiple submitters, no conflicts (2 of 4 stars). 2 submissions from 2 submitters: Uncertain significance (2). Last evaluated 2023-11-18.

Conditions:
Glycogen storage disease due to muscle beta-enolase deficiency (GSD13). Also called: Glycogen Storage Disease Type XIII; ENOLASE 3 DEFICIENCY; ENOLASE-BETA DEFICIENCY; GSD XIII. Identifiers: Orphanet 99849, MedGen C2752027, MONDO:0013046, OMIM 612932.

Allele frequency attached by ClinVar (database versions not stated): ExAC 0.00004; gnomAD 0.00005; TOPMed 0.00006.
gnomAD v4.1: 22 of 1,614,096 alleles (0.0014%); highest among the groups gnomAD compares: African/African-American, 0.0093%; no homozygotes.

Submissions (2):

GeneDx
Classification: Uncertain significance. Last evaluated: 2023-11-18. Review status: criteria provided, single submitter. Criteria: GeneDx Variant Classification Process June 2021. Collection method: clinical testing. Allele origin: germline. Affected: yes.
Comment: Reported in a large cohort of individuals with a neurodevelopmental disorder, but detailed clinical information is not provided (PMID: 33004838); Nonsense variant predicted to result in protein truncation or nonsense mediated decay in a gene for which loss of function is a known mechanism of disease; This variant is associated with the following publications: (PMID: 33004838)

Labcorp Genetics (formerly Invitae), Labcorp
Classification: Uncertain significance for Glycogen storage disease due to muscle beta-enolase deficiency. Last evaluated: 2022-04-23. Review status: criteria provided, single submitter. Criteria: Invitae Variant Classification Sherloc (09022015). Collection method: clinical testing. Allele origin: germline.
Comment: This sequence change creates a premature translational stop signal (p.Glu88*) in the ENO3 gene. It is expected to result in an absent or disrupted protein product. However, the current clinical and genetic evidence is not sufficient to establish whether loss-of-function variants in ENO3 cause disease. This variant is present in population databases (rs753114346, gnomAD 0.01%). This premature translational stop signal has been observed in individual(s) with clinical features of ENO3-related conditions (PMID: 33004838). Algorithms developed to predict the effect of sequence changes on RNA splicing suggest that this variant may disrupt the consensus splice site. In summary, the available evidence is currently insufficient to determine the role of this variant in disease. Therefore, it has been classified as a Variant of Uncertain Significance.

Literature cited by the submitters: PubMed 33004838 (cited by Labcorp Genetics (formerly Invitae), Labcorp).